The following is an entry in ClinVar:

NM_015046.7(SETX):c.878T>G (p.Phe293Cys)

Gene: SETX (senataxin; minus strand). Cytogenetic location: 9q34.13.
Variant type: single nucleotide variant.
Coding change: c.878T>G on transcript NM_015046.7 (MANE Select); coding-DNA position 878, T replaced by G.
Protein change: p.Phe293Cys; replaces phenylalanine 293 with cysteine.
Molecular consequence: missense variant.
Genome position (GRCh38, 1-based): chr9:132,331,409, A>C on the plus strand (T>G on the coding strand, the complement: SETX is on the minus strand). VCF-style: chr9-132331409-A-C. GRCh37 (hg19) VCF-style: chr9-135206796-A-C.
Other names: c.878T>G, p.Phe293Cys (NM_001351527.2, NM_001351528.2); short protein forms F293C.
Identifiers: ClinVar variation 2936598 (VCV002936598.3), dbSNP rs1847227771, ClinGen allele CA375347131.

ClinVar aggregate classification (germline): Uncertain significance (1 of 4 stars; one submission).

Conditions:
Amyotrophic lateral sclerosis type 4 (ALS4). Also called: AMYOTROPHIC LATERAL SCLEROSIS 4, JUVENILE; NEURONOPATHY, DISTAL HEREDITARY MOTOR, WITH PYRAMIDAL FEATURES. Identifiers: Orphanet 357043, MedGen C1865409, MONDO:0011223, OMIM 602433.
Spinocerebellar ataxia, autosomal recessive, with axonal neuropathy 2 (SCAN2). Also called: Ataxia with Oculomotor Apraxia; ATAXIA-OCULOMOTOR APRAXIA 2; Ataxia-ocular apraxia-2; Ataxia with Oculomotor Apraxia Type 2. Identifiers: Orphanet 64753, MedGen C1853761, MONDO:0018996, OMIM 606002.

Submission:

Labcorp Genetics (formerly Invitae), Labcorp
Classification: Uncertain significance for Amyotrophic lateral sclerosis type 4; Spinocerebellar ataxia, autosomal recessive, with axonal neuropathy 2. Last evaluated: 2023-12-18. Review status: criteria provided, single submitter. Criteria: Invitae Variant Classification Sherloc (09022015). Collection method: clinical testing. Allele origin: germline.
Comment: This sequence change replaces phenylalanine, which is neutral and non-polar, with cysteine, which is neutral and slightly polar, at codon 293 of the SETX protein (p.Phe293Cys). This variant is not present in population databases (gnomAD no frequency). This variant has not been reported in the literature in individuals affected with SETX-related conditions. Advanced modeling of protein sequence and biophysical properties (such as structural, functional, and spatial information, amino acid conservation, physicochemical variation, residue mobility, and thermodynamic stability) has been performed at Invitae for this missense variant, however the output from this modeling did not meet the statistical confidence thresholds required to predict the impact of this variant on SETX protein function. In summary, the available evidence is currently insufficient to determine the role of this variant in disease. Therefore, it has been classified as a Variant of Uncertain Significance.